The following is an entry in ClinVar:

ClinVar aggregate classification (germline): Uncertain significance (1 of 4 stars; one submission).

Conditions:
Spastic paraplegia. Identifiers: MedGen C0037772, HP:0001258.

gnomAD v4.1: 8 of 1,613,966 alleles (0.0005%); highest among the groups gnomAD compares: Admixed American, 0.0033%; no homozygotes.

Submission:

Labcorp Genetics (formerly Invitae), Labcorp
Classification: Uncertain significance for Spastic paraplegia. Last evaluated: 2019-05-22. Review status: criteria provided, single submitter. Criteria: Invitae Variant Classification Sherloc (09022015). Collection method: clinical testing. Allele origin: germline.
Comment: This sequence change replaces glycine with tryptophan at codon 86 of the B4GALNT1 protein (p.Gly86Trp). The glycine residue is moderately conserved and there is a large physicochemical difference between glycine and tryptophan. In summary, the available evidence is currently insufficient to determine the role of this variant in disease. Therefore, it has been classified as a Variant of Uncertain Significance. Algorithms developed to predict the effect of missense changes on protein structure and function are either unavailable or do not agree on the potential impact of this missense change (SIFT: "Deleterious"; PolyPhen-2: "Possibly Damaging"; Align-GVGD: "Class C0"). This variant has not been reported in the literature in individuals with B4GALNT1-related conditions. This variant is not present in population databases (ExAC no frequency).

NM_001478.5(B4GALNT1):c.256G>T (p.Gly86Trp)

Gene: B4GALNT1 (beta-1,4-N-acetyl-galactosaminyltransferase 1; minus strand). Cytogenetic location: 12q13.3.
Variant type: single nucleotide variant.
Coding change: c.256G>T on transcript NM_001478.5 (MANE Select); coding-DNA position 256, G replaced by T.
Protein change: p.Gly86Trp; replaces glycine 86 with tryptophan.
Molecular consequence: missense variant. On other transcripts: intron variant (1).
Genome position (GRCh38, 1-based): chr12:57,631,327, C>A on the plus strand (G>T on the coding strand, the complement: B4GALNT1 is on the minus strand). VCF-style: chr12-57631327-C-A. GRCh37 (hg19) VCF-style: chr12-58025110-C-A.
Other names: c.256G>T, p.Gly86Trp (NM_001276469.2); c.219-241G>T (NM_001276468.2); short protein forms G86W.
Identifiers: ClinVar variation 949142 (VCV000949142.8), dbSNP rs919097197, ClinGen allele CA385502023.